The following is an entry in ClinVar:

NM_031475.3(ESPN):c.1189T>C (p.Cys397Arg)

Gene: ESPN (espin; plus strand). Cytogenetic location: 1p36.31.
Variant type: single nucleotide variant.
Coding change: c.1189T>C on transcript NM_031475.3 (MANE Select); coding-DNA position 1189, T replaced by C.
Protein change: p.Cys397Arg; replaces cysteine 397 with arginine.
Molecular consequence: missense variant.
Genome position (GRCh38, 1-based): chr1:6,444,679, T>C. VCF-style: chr1-6444679-T-C. GRCh37 (hg19) VCF-style: chr1-6504739-T-C.
Other names: c.1189T>C, p.Cys397Arg (NM_001367473.1, NM_001367474.1); short protein forms C397R.
Identifiers: ClinVar variation 2227503 (VCV002227503.3), dbSNP rs746721437, ClinGen allele CA560134.

ClinVar aggregate classification (germline): Conflicting classifications of pathogenicity. Review status: criteria provided, conflicting classifications (1 of 4 stars). 2 submissions from 2 submitters: Uncertain significance (1); Likely benign (1). Last evaluated 2026-09-14.

Conditions:
Inborn genetic diseases. Identifiers: MedGen C0950123, MeSH D030342.
ESPN-related disorder. Also called: ESPN-related condition.

Allele frequency attached by ClinVar (database versions not stated): ExAC 0.00001; gnomAD 0.00001; gnomAD exomes 0.00001; TOPMed 0.00002.
gnomAD v4.1: 13 of 1,613,948 alleles (0.00081%); highest among the groups gnomAD compares: Middle Eastern, 0.016%; no homozygotes.

Submissions (2):

PreventionGenetics, part of Exact Sciences
Classification: Uncertain significance for ESPN-related condition. Last evaluated: 2026-09-14. Review status: criteria provided, single submitter. Criteria: ACMG Guidelines, 2015. Collection method: clinical testing. Allele origin: germline.
Comment: The ESPN c.1189T>C variant is predicted to result in the amino acid substitution p.Cys397Arg. To our knowledge, this variant has not been reported in the literature. This variant is reported in 0.0040% of alleles in individuals of African descent in gnomAD. At this time, the clinical significance of this variant is uncertain due to the absence of conclusive functional and genetic evidence.

Ambry Genetics
Classification: Likely benign for Inborn genetic diseases. Last evaluated: 2022-04-06. Review status: criteria provided, single submitter. Criteria: Ambry Variant Classification Scheme 2023. Collection method: clinical testing. Allele origin: germline.